The following is an entry in ClinVar:

NM_000124.4(ERCC6):c.3335A>T (p.Asn1112Ile)

Gene: ERCC6 (ERCC excision repair 6, chromatin remodeling factor; minus strand). Cytogenetic location: 10q11.23.
Variant type: single nucleotide variant.
Coding change: c.3335A>T on transcript NM_000124.4 (MANE Select); coding-DNA position 3335, A replaced by T.
Protein change: p.Asn1112Ile; replaces asparagine 1112 with isoleucine.
Molecular consequence: missense variant.
Genome position (GRCh38, 1-based): chr10:49,470,625, T>A on the plus strand (A>T on the coding strand, the complement: ERCC6 is on the minus strand). VCF-style: chr10-49470625-T-A. GRCh37 (hg19) VCF-style: chr10-50678671-T-A.
Other names: c.3335A>T, p.Asn1112Ile (NM_001346440.2); short protein forms N1112I.
Identifiers: ClinVar variation 1423155 (VCV001423155.5), dbSNP rs1850759565, ClinGen allele CA376715637.

ClinVar aggregate classification (germline): Uncertain significance (1 of 4 stars; one submission).

Allele frequency attached by ClinVar (database versions not stated): gnomAD exomes below 0.00001; gnomAD 0.00001.
gnomAD v4.1: 3 of 1,613,526 alleles (0.00019%); highest among the groups gnomAD compares: Non-Finnish European, 0.00017%; no homozygotes.

Submission:

Labcorp Genetics (formerly Invitae), Labcorp
Classification: Uncertain significance. Last evaluated: 2021-12-02. Review status: criteria provided, single submitter. Criteria: Invitae Variant Classification Sherloc (09022015). Collection method: clinical testing. Allele origin: germline.
Comment: This sequence change replaces asparagine, which is neutral and polar, with isoleucine, which is neutral and non-polar, at codon 1112 of the ERCC6 protein (p.Asn1112Ile). This variant is not present in population databases (gnomAD no frequency). This variant has not been reported in the literature in individuals affected with ERCC6-related conditions. Algorithms developed to predict the effect of missense changes on protein structure and function are either unavailable or do not agree on the potential impact of this missense change (SIFT: "Deleterious"; PolyPhen-2: "Benign"; Align-GVGD: "Class C0"). In summary, the available evidence is currently insufficient to determine the role of this variant in disease. Therefore, it has been classified as a Variant of Uncertain Significance.